The following is an entry in ClinVar:

NM_018975.4(TERF2IP):c.799G>T (p.Asp267Tyr)

Gene: TERF2IP (TERF2 interacting protein; plus strand). Cytogenetic location: 16q23.1.
Variant type: single nucleotide variant.
Coding change: c.799G>T on transcript NM_018975.4 (MANE Select); coding-DNA position 799, G replaced by T.
Protein change: p.Asp267Tyr; replaces aspartic acid 267 with tyrosine.
Molecular consequence: missense variant. On other transcripts: non-coding transcript variant (1).
Genome position (GRCh38, 1-based): chr16:75,656,210, G>T. VCF-style: chr16-75656210-G-T. GRCh37 (hg19) VCF-style: chr16-75690108-G-T.
Other names: short protein forms D267Y.
Identifiers: ClinVar variation 1761555 (VCV001761555.2), dbSNP rs142007810, ClinGen allele CA396819599.

ClinVar aggregate classification (germline): Uncertain significance (1 of 4 stars; one submission).

gnomAD v4.1: 2 of 1,604,434 alleles (0.00012%); highest among the groups gnomAD compares: South Asian, 0.0011%; no homozygotes.

Submission:

Ambry Genetics
Classification: Uncertain significance. Last evaluated: 2022-08-09. Review status: criteria provided, single submitter. Criteria: Ambry Variant Classification Scheme 2023. Collection method: clinical testing. Allele origin: germline.
Comment: The p.D267Y variant (also known as c.799G>T), located in coding exon 3 of the TERF2IP gene, results from a G to T substitution at nucleotide position 799. The aspartic acid at codon 267 is replaced by tyrosine, an amino acid with highly dissimilar properties. This amino acid position is conserved. In addition, this alteration is predicted to be tolerated by in silico analysis. Since supporting evidence is limited at this time, the clinical significance of this alteration remains unclear.